The following is an entry in ClinVar:

NM_003486.7(SLC7A5):c.345C>A (p.Gly115=)

Gene: SLC7A5 (solute carrier family 7 member 5; minus strand). Cytogenetic location: 16q24.2.
Variant type: single nucleotide variant.
Coding change: c.345C>A on transcript NM_003486.7 (MANE Select); coding-DNA position 345, C replaced by A.
Protein change: p.Gly115=; no amino-acid change (glycine 115 retained).
Molecular consequence: synonymous variant.
Genome position (GRCh38, 1-based): chr16:87,869,078, G>T on the plus strand (C>A on the coding strand, the complement: SLC7A5 is on the minus strand). VCF-style: chr16-87869078-G-T. GRCh37 (hg19) VCF-style: chr16-87902684-G-T.
Identifiers: ClinVar variation 3056426 (VCV003056426.2), dbSNP rs17853938, ClinGen allele CA8223102.

ClinVar aggregate classification (germline): Benign (0 of 4 stars; one submission).

Conditions:
SLC7A5-related disorder. Also called: SLC7A5-related condition.

Allele frequency attached by ClinVar (database versions not stated): gnomAD exomes 0.11328; ExAC 0.11897; 1000 Genomes Project 0.15076; 1000 Genomes Project 30x 0.15974; gnomAD 0.17758; TOPMed 0.18000; ESP Exome Variant Server 0.19335.
gnomAD v4.1: 192,340 of 1,611,636 alleles (12%); highest among the groups gnomAD compares: African/African-American, 37%; 14,662 homozygotes.

Submission:

PreventionGenetics, part of Exact Sciences
Classification: Benign for SLC7A5-related condition. Last evaluated: 2021-02-23. Review status: no assertion criteria provided. Collection method: clinical testing. Allele origin: germline.
Comment: This variant is classified as benign based on ACMG/AMP sequence variant interpretation guidelines (Richards et al. 2015 PMID: 25741868, with internal and published modifications).